The following is an entry in ClinVar:

ClinVar aggregate classification (germline): Uncertain significance. Review status: criteria provided, multiple submitters, no conflicts (2 of 4 stars). 2 submissions from 2 submitters: Uncertain significance (2). Last evaluated 2024-05-01.

Conditions:
Nephrotic syndrome, type 3 (NPHS3). Also called: NEPHROTIC SYNDROME, EARLY-ONSET, TYPE 3. Identifiers: Orphanet 656, MedGen C1853124, MONDO:0012546, OMIM 610725.

Allele frequency attached by ClinVar (database versions not stated): ExAC 0.00023; 1000 Genomes Project 0.00060; ESP Exome Variant Server 0.00068; 1000 Genomes Project 30x 0.00078.
gnomAD v4.1: 603 of 1,609,346 alleles (0.037%); highest among the groups gnomAD compares: Non-Finnish European, 0.049%; no homozygotes.

Submissions (2):

Fulgent Genetics
Classification: Uncertain significance for Nephrotic syndrome, type 3. Last evaluated: 2024-05-01. Review status: criteria provided, single submitter. Criteria: ACMG Guidelines, 2015. Collection method: clinical testing. Allele origin: germline.

Labcorp Genetics (formerly Invitae), Labcorp
Classification: Uncertain significance. Last evaluated: 2022-06-14. Review status: criteria provided, single submitter. Criteria: Invitae Variant Classification Sherloc (09022015). Collection method: clinical testing. Allele origin: germline.
Comment: This sequence change replaces aspartic acid, which is acidic and polar, with asparagine, which is neutral and polar, at codon 2058 of the PLCE1 protein (p.Asp2058Asn). This variant is present in population databases (rs190025280, gnomAD 0.04%). This variant has not been reported in the literature in individuals affected with PLCE1-related conditions. Algorithms developed to predict the effect of missense changes on protein structure and function are either unavailable or do not agree on the potential impact of this missense change (SIFT: "Deleterious"; PolyPhen-2: "Benign"; Align-GVGD: "Class C0"). In summary, the available evidence is currently insufficient to determine the role of this variant in disease. Therefore, it has been classified as a Variant of Uncertain Significance.

NM_016341.4(PLCE1):c.6172G>A (p.Asp2058Asn)

Genes: PLCE1 (phospholipase C epsilon 1; plus strand), NOC3L (NOC3 like DNA replication regulator; minus strand). Cytogenetic location: 10q23.33.
Variant type: single nucleotide variant.
Coding change: c.6172G>A on transcript NM_016341.4 (MANE Select); coding-DNA position 6172, G replaced by A.
Protein change: p.Asp2058Asn; replaces aspartic acid 2058 with asparagine.
Molecular consequence: missense variant.
Genome position (GRCh38, 1-based): chr10:94,316,586, G>A. VCF-style: chr10-94316586-G-A. GRCh37 (hg19) VCF-style: chr10-96076343-G-A.
Other names: c.5248G>A, p.Asp1750Asn (NM_001165979.2); c.6124G>A, p.Asp2042Asn (NM_001288989.2); short protein forms D2042N, D2058N, D1750N.
Identifiers: ClinVar variation 2081623 (VCV002081623.2), dbSNP rs190025280, ClinGen allele CA5613519.